The following is an entry in ClinVar:

ClinVar aggregate classification (germline): Likely benign. Review status: criteria provided, multiple submitters, no conflicts (2 of 4 stars). 2 submissions from 2 submitters: Likely benign (2). Last evaluated 2023-12-14.

Conditions:
Diffuse cerebral and cerebellar atrophy - intractable seizures - progressive microcephaly syndrome. Also called: Microcephaly, progressive, with seizures and cerebral and cerebellar atrophy. Identifiers: Orphanet 404437, MedGen C4014239, MONDO:0014335, OMIM 615760.

Allele frequency attached by ClinVar (database versions not stated): gnomAD 0.00001; gnomAD exomes 0.00001; TOPMed below 0.00001; ExAC 0.00001.
gnomAD v4.1: 8 of 1,613,864 alleles (0.0005%); highest among the groups gnomAD compares: Non-Finnish European, 0.00068%; no homozygotes.

Submissions (2):

Labcorp Genetics (formerly Invitae), Labcorp
Classification: Likely benign for Diffuse cerebral and cerebellar atrophy - intractable seizures - progressive microcephaly syndrome. Last evaluated: 2023-12-14. Review status: criteria provided, single submitter. Criteria: Invitae Variant Classification Sherloc (09022015). Collection method: clinical testing. Allele origin: germline.

GeneDx
Classification: Likely benign. Last evaluated: 2016-07-13. Review status: criteria provided, single submitter. Criteria: GeneDx Variant Classification (06012015). Collection method: clinical testing. Allele origin: germline. Affected: yes.
Comment: This variant is considered likely benign or benign based on one or more of the following criteria: it is a conservative change, it occurs at a poorly conserved position in the protein, it is predicted to be benign by multiple in silico algorithms, and/or has population frequency not consistent with disease.

NM_005051.3(QARS1):c.295T>C (p.Leu99=)

Gene: QARS1 (glutaminyl-tRNA synthetase 1; minus strand). Cytogenetic location: 3p21.31.
Variant type: single nucleotide variant.
Coding change: c.295T>C on transcript NM_005051.3 (MANE Select); coding-DNA position 295, T replaced by C.
Protein change: p.Leu99=; no amino-acid change (leucine 99 retained).
Molecular consequence: synonymous variant. On other transcripts: non-coding transcript variant (1).
Genome position (GRCh38, 1-based): chr3:49,103,943, A>G on the plus strand (T>C on the coding strand, the complement: QARS1 is on the minus strand). VCF-style: chr3-49103943-A-G. GRCh37 (hg19) VCF-style: chr3-49141376-A-G.
Other names: c.262T>C, p.Leu88= (NM_001272073.2).
Identifiers: ClinVar variation 387677 (VCV000387677.8), dbSNP rs754138545, ClinGen allele CA2392223.
Genomic context (GRCh38, chr3:49,103,943, plus strand): 5'-GGGTCACAATGACACCCACGCCACATTCCCGCTCGAAGTCCACAGTGTCGATGGGGTCCA[A>G]GGGGTGACTCCGCACATACTCAAGGGCAGCTGAGAAGAAAGAGCCCGTGAGTTTGTGGCA-3'
Protein context (NP_005042.1, residues 89-109): AALEYVRSHP[Leu99=]DPIDTVDFER